The following is an entry in ClinVar:

ClinVar aggregate classification (germline): Pathogenic (1 of 4 stars; one submission).

Conditions:
Congenital lactic acidosis, Saguenay-Lac-Saint-Jean type (MC4DN5). Also called: CYTOCHROME c OXIDASE DEFICIENCY, FRENCH CANADIAN TYPE; COX DEFICIENCY, FRENCH CANADIAN TYPE; MITOCHONDRIAL COMPLEX IV DEFICIENCY, NUCLEAR TYPE 5. Identifiers: Orphanet 70472, MedGen C1857355, MONDO:0009069, OMIM 220111.

Submission:

Myriad Genetics, Inc.
Classification: Pathogenic for Congenital lactic acidosis, Saguenay-Lac-Saint-Jean type. Last evaluated: 2025-10-18. Review status: criteria provided, single submitter. Criteria: Myriad Autosomal Dominant, Autosomal Recessive and X-Linked Classification Criteria (2023). Collection method: clinical testing. Allele origin: unknown.
Comment: NM_133259.3(LRPPRC):c.2803C>T(Q935*) is expected to be pathogenic in the context of Leigh syndrome, French-Canadian type. This variant is predicted to lead to an abnormal or absent protein product due to the creation of a premature termination codon in LRPPRC, a gene where loss-of-function variants are known to be pathogenic. Please note: this variant was assessed in the context of healthy population screening.

NM_133259.4(LRPPRC):c.2803C>T (p.Gln935Ter)

Gene: LRPPRC (leucine rich pentatricopeptide repeat containing; minus strand). Cytogenetic location: 2p21.
Variant type: single nucleotide variant.
Coding change: c.2803C>T on transcript NM_133259.4 (MANE Select); coding-DNA position 2803, C replaced by T.
Protein change: p.Gln935Ter; replaces glutamine 935 with a stop codon.
Molecular consequence: nonsense.
Genome position (GRCh38, 1-based): chr2:43,925,895, G>A on the plus strand (C>T on the coding strand, the complement: LRPPRC is on the minus strand). VCF-style: chr2-43925895-G-A. GRCh37 (hg19) VCF-style: chr2-44153034-G-A.
Other names: short protein forms Q935*.
Identifiers: ClinVar variation 5015106 (VCV005015106.1).